The following is an entry in ClinVar:

NM_002519.3(NPAT):c.3143C>T (p.Pro1048Leu)

Gene: NPAT (nuclear protein, coactivator of histone transcription; minus strand). Cytogenetic location: 11q22.3.
Variant type: single nucleotide variant.
Coding change: c.3143C>T on transcript NM_002519.3 (MANE Select); coding-DNA position 3143, C replaced by T.
Protein change: p.Pro1048Leu; replaces proline 1048 with leucine.
Molecular consequence: missense variant.
Genome position (GRCh38, 1-based): chr11:108,161,943, G>A on the plus strand (C>T on the coding strand, the complement: NPAT is on the minus strand). VCF-style: chr11-108161943-G-A. GRCh37 (hg19) VCF-style: chr11-108032670-G-A.
Other names: c.3164C>T, p.Pro1055Leu (NM_001321307.1); short protein forms P1048L, P1055L.
Identifiers: ClinVar variation 1336972 (VCV001336972.11), dbSNP rs1001338894, ClinGen allele CA228374249.
Genomic context (GRCh38, chr11:108,161,943, plus strand): 5'-CTGTCGAAACAGAGTACACGTCTGTGGCATGGTTTAGCAGCTGGAACTATACTCTCTTCT[G>A]GGAAGGGAACTGTGGTTTCTTCTGATTTTTTCCCAAGATCTGTGGCAATACTTTTGTCAG-3'
Protein context (NP_002510.2, residues 1038-1058): KKSEETTVPF[Pro1048Leu]EESIVPAAKP

ClinVar aggregate classification (germline): Uncertain significance. Review status: criteria provided, multiple submitters, no conflicts (2 of 4 stars). 3 submissions from 3 submitters: Uncertain significance (3). Last evaluated 2025-01-15.

Allele frequency attached by ClinVar (database versions not stated): gnomAD exomes 0.00001; gnomAD 0.00002; TOPMed 0.00003.

Submissions (3):

Labcorp Genetics (formerly Invitae), Labcorp
Classification: Uncertain significance. Last evaluated: 2025-01-15. Review status: criteria provided, single submitter. Criteria: Invitae Variant Classification Sherloc (09022015). Collection method: clinical testing. Allele origin: germline.
Comment: This sequence change replaces proline, which is neutral and non-polar, with leucine, which is neutral and non-polar, at codon 1048 of the NPAT protein (p.Pro1048Leu). This variant is present in population databases (no rsID available, gnomAD 0.002%). This variant has not been reported in the literature in individuals affected with NPAT-related conditions. ClinVar contains an entry for this variant (Variation ID: 1336972). An algorithm developed to predict the effect of missense changes on protein structure and function (PolyPhen-2) suggests that this variant is likely to be tolerated. In summary, the available evidence is currently insufficient to determine the role of this variant in disease. Therefore, it has been classified as a Variant of Uncertain Significance.

Ambry Genetics
Classification: Uncertain significance. Last evaluated: 2023-08-30. Review status: criteria provided, single submitter. Criteria: Ambry Variant Classification Scheme 2023. Collection method: clinical testing. Allele origin: germline.
Comment: The p.P1048L variant (also known as c.3143C>T), located in coding exon 17 of the NPAT gene, results from a C to T substitution at nucleotide position 3143. The proline at codon 1048 is replaced by leucine, an amino acid with similar properties. This amino acid position is conserved. In addition, this alteration is predicted to be tolerated by in silico analysis. Since supporting evidence is limited at this time, the clinical significance of this alteration remains unclear.

Genetic Services Laboratory, University of Chicago
Classification: Uncertain significance. Last evaluated: 2019-01-09. Review status: criteria provided, single submitter. Criteria: ACMG Guidelines, 2015. Collection method: clinical testing. Allele origin: germline. Affected: no.